The following is an entry in ClinVar:

NM_021831.6(AGBL5):c.637T>C (p.Cys213Arg)

Gene: AGBL5 (AGBL carboxypeptidase 5; plus strand). Cytogenetic location: 2p23.3.
Variant type: single nucleotide variant.
Coding change: c.637T>C on transcript NM_021831.6 (MANE Select); coding-DNA position 637, T replaced by C.
Protein change: p.Cys213Arg; replaces cysteine 213 with arginine.
Molecular consequence: missense variant. On other transcripts: non-coding transcript variant (2).
Genome position (GRCh38, 1-based): chr2:27,054,715, T>C. VCF-style: chr2-27054715-T-C. GRCh37 (hg19) VCF-style: chr2-27277583-T-C.
Other names: c.637T>C, p.Cys213Arg (NM_001035507.3); short protein forms C213R.
Identifiers: ClinVar variation 1006072 (VCV001006072.9), dbSNP rs367620007, ClinGen allele CA1567689.

ClinVar aggregate classification (germline): Uncertain significance. Review status: criteria provided, multiple submitters, no conflicts (2 of 4 stars). 2 submissions from 2 submitters: Uncertain significance (2). Last evaluated 2024-05-20.

Allele frequency attached by ClinVar (database versions not stated): gnomAD 0.00001; TOPMed 0.00001; ESP Exome Variant Server 0.00008.
gnomAD v4.1: 14 of 1,549,908 alleles (0.0009%); highest among the groups gnomAD compares: Admixed American, 0.0018%; no homozygotes.

Submissions (2):

Labcorp Genetics (formerly Invitae), Labcorp
Classification: Uncertain significance. Last evaluated: 2024-05-20. Review status: criteria provided, single submitter. Criteria: Invitae Variant Classification Sherloc (09022015). Collection method: clinical testing. Allele origin: germline.
Comment: This sequence change replaces cysteine, which is neutral and slightly polar, with arginine, which is basic and polar, at codon 213 of the AGBL5 protein (p.Cys213Arg). This variant is present in population databases (rs367620007, gnomAD 0.003%). This variant has not been reported in the literature in individuals affected with AGBL5-related conditions. ClinVar contains an entry for this variant (Variation ID: 1006072). An algorithm developed to predict the effect of missense changes on protein structure and function (PolyPhen-2) suggests that this variant is likely to be tolerated. In summary, the available evidence is currently insufficient to determine the role of this variant in disease. Therefore, it has been classified as a Variant of Uncertain Significance.

Blueprint Genetics
Classification: Uncertain significance. Last evaluated: 2022-11-16. Review status: criteria provided, single submitter. Criteria: ACMG Guidelines, 2015. Collection method: clinical testing. Allele origin: germline.